The following is an entry in ClinVar:

NM_000179.3(MSH6):c.4051_4069dup (p.Ile1357delinsThrTer)

Gene: MSH6 (mutS homolog 6; plus strand). Cytogenetic location: 2p16.3.
Variant type: Duplication.
Coding change: c.4051_4069dup on transcript NM_000179.3 (MANE Select); coding-DNA positions 4051 to 4069, 19 bases duplicated (CATAAATTGCTGACTTTGA).
Protein change: p.Ile1357delinsThrTer.
Molecular consequence: nonsense. On other transcripts: frameshift variant (33).
Genome position (GRCh38, 1-based): chr2:47,806,828-47,806,846, CATAAATTGCTGACTTTGA duplicated. VCF-style (leftmost placement, unchanged base first): chr2-47806827-C-CCATAAATTGCTGACTTTGA. GRCh37 (hg19) VCF-style: chr2-48033966-C-CCATAAATTGCTGACTTTGA.
Other names: c.3661_3679dup, p.Ile1227delinsThrTer (NM_001281492.2); c.3145_3163dup, p.Ile1055delinsThrTer (NM_001281493.2, NM_001281494.2); c.4147_4165dup, p.Ile1389Thrfs (NM_001406795.1); c.4051_4069dup, p.Ile1357Thrfs (NM_001406796.1, NM_001406809.1); c.3754_3772dup, p.Ile1258Thrfs (NM_001406797.1, NM_001406805.1, NM_001406818.1 and 8 more transcripts); c.3877_3895dup, p.Ile1299Thrfs (NM_001406798.1); c.3526_3544dup, p.Ile1182Thrfs (NM_001406799.1, NM_001406806.1, NM_001406807.1); c.*72_*90dup (NM_001406800.1); and 10 more.
Identifiers: ClinVar variation 2054358 (VCV002054358.4), dbSNP rs1457661483, ClinGen allele CA532705590.

ClinVar aggregate classification (germline): Uncertain significance (1 of 4 stars; one submission).

Conditions:
Hereditary nonpolyposis colorectal neoplasms. Identifiers: MedGen C0009405, MeSH D003123.

Allele frequency attached by ClinVar (database versions not stated): gnomAD exomes below 0.00001.

Submission:

Labcorp Genetics (formerly Invitae), Labcorp
Classification: Uncertain significance for Hereditary nonpolyposis colorectal neoplasms. Last evaluated: 2022-09-22. Review status: criteria provided, single submitter. Criteria: Invitae Variant Classification Sherloc (09022015). Collection method: clinical testing. Allele origin: germline.
Comment: This sequence change creates a premature translational stop signal (p.Ile1357Thrfs*2) in the MSH6 gene. While this is not anticipated to result in nonsense mediated decay, it is expected to disrupt the last 4 amino acid(s) of the MSH6 protein. This variant is present in population databases (no rsID available, gnomAD 0.003%). This variant has not been reported in the literature in individuals affected with MSH6-related conditions. Experimental studies and prediction algorithms are not available or were not evaluated, and the functional significance of this variant is currently unknown. Algorithms developed to predict the effect of sequence changes on RNA splicing suggest that this variant may disrupt the consensus splice site. In summary, the available evidence is currently insufficient to determine the role of this variant in disease. Therefore, it has been classified as a Variant of Uncertain Significance.